The following is an entry in ClinVar:

NM_000170.3(GLDC):c.2528G>A (p.Arg843Gln)

Gene: GLDC (glycine decarboxylase; minus strand). Cytogenetic location: 9p24.1.
Variant type: single nucleotide variant.
Coding change: c.2528G>A on transcript NM_000170.3 (MANE Select); coding-DNA position 2528, G replaced by A.
Protein change: p.Arg843Gln; replaces arginine 843 with glutamine.
Molecular consequence: missense variant.
Genome position (GRCh38, 1-based): chr9:6,550,844, C>T on the plus strand (G>A on the coding strand, the complement: GLDC is on the minus strand). VCF-style: chr9-6550844-C-T. GRCh37 (hg19) VCF-style: chr9-6550844-C-T.
Other names: short protein forms R843Q.
Identifiers: ClinVar variation 1311751 (VCV001311751.7), dbSNP rs1422108790, ClinGen allele CA372875999.

ClinVar aggregate classification (germline): Uncertain significance. Review status: criteria provided, multiple submitters, no conflicts (2 of 4 stars). 2 submissions from 2 submitters: Uncertain significance (2). Last evaluated 2024-11-04.

Conditions:
Glycine encephalopathy. Also called: Non-ketotic hyperglycinemia; Nonketotic hyperglycinemia. Identifiers: Orphanet 407, MedGen C0751748, MONDO:0011612, HP:0008288.

Allele frequency attached by ClinVar (database versions not stated): gnomAD exomes below 0.00001.
gnomAD v4.1: 5 of 1,613,602 alleles (0.00031%); highest among the groups gnomAD compares: South Asian, 0.0033%; no homozygotes.

Submissions (2):

Labcorp Genetics (formerly Invitae), Labcorp
Classification: Uncertain significance for Glycine encephalopathy. Last evaluated: 2024-11-04. Review status: criteria provided, single submitter. Criteria: Invitae Variant Classification Sherloc (09022015). Collection method: clinical testing. Allele origin: germline.
Comment: This sequence change replaces arginine, which is basic and polar, with glutamine, which is neutral and polar, at codon 843 of the GLDC protein (p.Arg843Gln). This variant is present in population databases (no rsID available, gnomAD 0.0009%). This variant has not been reported in the literature in individuals affected with GLDC-related conditions. ClinVar contains an entry for this variant (Variation ID: 1311751). Invitae Evidence Modeling of protein sequence and biophysical properties (such as structural, functional, and spatial information, amino acid conservation, physicochemical variation, residue mobility, and thermodynamic stability) indicates that this missense variant is not expected to disrupt GLDC protein function with a negative predictive value of 80%. In summary, the available evidence is currently insufficient to determine the role of this variant in disease. Therefore, it has been classified as a Variant of Uncertain Significance.

GeneDx
Classification: Uncertain significance. Last evaluated: 2020-01-08. Review status: criteria provided, single submitter. Criteria: GeneDx Variant Classification Process June 2021. Collection method: clinical testing. Allele origin: germline. Affected: yes.
Comment: Not observed at a significant frequency in large population cohorts (Lek et al., 2016); In silico analysis, which includes protein predictors and evolutionary conservation, supports a deleterious effect; Has not been previously published as pathogenic or benign to our knowledge